The following is an entry in ClinVar:

NM_006612.6(KIF1C):c.1020-14C>G

Gene: KIF1C (kinesin family member 1C; plus strand). Cytogenetic location: 17p13.2.
Variant type: single nucleotide variant.
Coding change: c.1020-14C>G on transcript NM_006612.6 (MANE Select); 14 bases into the intron before coding-DNA position 1020, C replaced by G.
Molecular consequence: intron variant.
Genome position (GRCh38, 1-based): chr17:5,004,841, C>G. VCF-style: chr17-5004841-C-G. GRCh37 (hg19) VCF-style: chr17-4908136-C-G.
Identifiers: ClinVar variation 383890 (VCV000383890.9), dbSNP rs201164122, ClinGen allele CA8318846.

ClinVar aggregate classification (germline): Likely benign. Review status: criteria provided, multiple submitters, no conflicts (2 of 4 stars). 2 submissions from 2 submitters: Likely benign (2). Last evaluated 2024-05-17.

Conditions:
Spastic ataxia 2. Also called: Ataxia, spastic, 2, autosomal recessive. Identifiers: Orphanet 397946, MedGen C1969796, MONDO:0012651, OMIM 611302.

Allele frequency attached by ClinVar (database versions not stated): ExAC 0.00003; 1000 Genomes Project 0.00020; gnomAD 0.00004; 1000 Genomes Project 30x 0.00016; TOPMed 0.00006; gnomAD exomes 0.00008.
gnomAD v4.1: 47 of 1,614,164 alleles (0.0029%); highest among the groups gnomAD compares: Admixed American, 0.018%; no homozygotes.

Submissions (2):

Labcorp Genetics (formerly Invitae), Labcorp
Classification: Likely benign for Spastic ataxia 2. Last evaluated: 2024-05-17. Review status: criteria provided, single submitter. Criteria: Invitae Variant Classification Sherloc (09022015). Collection method: clinical testing. Allele origin: germline.

GeneDx
Classification: Likely benign. Last evaluated: 2016-03-01. Review status: criteria provided, single submitter. Criteria: GeneDx Variant Classification (06012015). Collection method: clinical testing. Allele origin: germline. Affected: yes.
Comment: This variant is considered likely benign or benign based on one or more of the following criteria: it is a conservative change, it occurs at a poorly conserved position in the protein, it is predicted to be benign by multiple in silico algorithms, and/or has population frequency not consistent with disease.